The following is an entry in ClinVar:

Conditions:
Breast-ovarian cancer, familial, susceptibility to, 1 (BROVCA1). Also called: BRCA1 Hereditary Breast and Ovarian Cancer; OVARIAN CANCER, SUSCEPTIBILITY TO. Identifiers: Orphanet 145, MedGen C2676676, MONDO:0011450, OMIM 604370. Disease mechanism: loss of function.

Submission:

Brotman Baty Institute, University of Washington
No classification provided (evidence only). Condition: Breast-ovarian cancer, familial 1. Review status: no classification provided. Collection method: in vitro. Allele origin: not applicable. Functional consequence: functionally_normal.
ClinVar note: "not provided" was previously submitted as the classification for the variant. However, the classification appeared to be based only on an observation of functional data so it was converted to no classification on 2025-07-30.

NM_007294.4(BRCA1):c.81-6T>G

Gene: BRCA1 (BRCA1 DNA repair associated; minus strand). Cytogenetic location: 17q21.31.
Variant type: single nucleotide variant.
Coding change: c.81-6T>G on transcript NM_007294.4 (MANE Select); 6 bases into the intron before coding-DNA position 81, T replaced by G.
Molecular consequence: intron variant.
Genome position (GRCh38, 1-based): chr17:43,115,785, A>C on the plus strand (T>G on the coding strand, the complement: BRCA1 is on the minus strand). VCF-style: chr17-43115785-A-C. GRCh37 (hg19) VCF-style: chr17-41267802-A-C.
Other names: c.-61-6T>G (NM_001408458.1, NM_001408470.1, NM_001407848.1 and 47 more transcripts); c.-219+9492T>G (NM_001407967.1); c.-170+9492T>G (NM_001407959.1); c.-7-9252T>G (NM_001407931.1, NM_001407747.1, NM_001408511.1 and 2 more transcripts); c.-223-6T>G (NM_001407962.1, NM_001408512.1, NM_001408510.1 and 1 more transcripts); c.-108-6T>G (NM_001407885.1, NM_001407886.1, NM_001408509.1 and 52 more transcripts); c.-177-6T>G (NM_001407746.1, NM_001408468.1, NM_001407842.1 and 13 more transcripts); c.-8+8232T>G (NM_001408461.1, NM_001407738.1, NM_001407932.1 and 23 more transcripts); and 10 more.
Identifiers: ClinVar variation 868114 (VCV000868114.3), dbSNP rs80358179, ClinGen allele CA916081034.